The following is an entry in ClinVar:

NM_024408.4(NOTCH2):c.2114G>A (p.Arg705His)

Gene: NOTCH2 (notch receptor 2; minus strand). Cytogenetic location: 1p12.
Variant type: single nucleotide variant.
Coding change: c.2114G>A on transcript NM_024408.4 (MANE Select); coding-DNA position 2114, G replaced by A.
Protein change: p.Arg705His; replaces arginine 705 with histidine.
Molecular consequence: missense variant.
Genome position (GRCh38, 1-based): chr1:119,955,145, C>T on the plus strand (G>A on the coding strand, the complement: NOTCH2 is on the minus strand). VCF-style: chr1-119955145-C-T. GRCh37 (hg19) VCF-style: chr1-120497768-C-T.
Other names: c.2114G>A (NM_024408.3); c.2114G>A, p.Arg705His (NM_001200001.2); short protein forms R705H.
Identifiers: ClinVar variation 2147280 (VCV002147280.6), dbSNP rs781902176, ClinGen allele CA1040378.
Genomic context (GRCh38, chr1:119,955,145, plus strand): 5'-AGGCATTCGTTCACCTGTGAGTAGCAGCTGGGGTGATGGGGTCCCTCGGGGCATATACAG[C>T]GGAAACCATTCACACCGTTGATACATGTTGCACCCTTGCGACAGGGATTGGAGGCACACT-3'
Protein context (NP_077719.2, residues 695-715): ATCINGVNGF[Arg705His]CICPEGPHHP

ClinVar aggregate classification (germline): Uncertain significance. Review status: criteria provided, multiple submitters, no conflicts (2 of 4 stars). 2 submissions from 2 submitters: Uncertain significance (2). Last evaluated 2026-01-13.

Conditions:
NOTCH2-related disorder. Also called: NOTCH2-related condition.
Hajdu-Cheney syndrome (HJCYS). Also called: SERPENTINE FIBULA-POLYCYSTIC KIDNEY SYNDROME; ACROOSTEOLYSIS WITH OSTEOPOROSIS AND CHANGES IN SKULL AND MANDIBLE; Acroosteolysis dominant type. Identifiers: Orphanet 955, MedGen C0917715, MONDO:0007057, OMIM 102500.

Allele frequency attached by ClinVar (database versions not stated): ExAC 0.00001; TOPMed 0.00001; gnomAD 0.00003.
gnomAD v4.1: 23 of 1,613,994 alleles (0.0014%); highest among the groups gnomAD compares: African/African-American, 0.004%; no homozygotes.

Submissions (2):

PreventionGenetics, part of Exact Sciences
Classification: Uncertain significance for NOTCH2-related condition. Last evaluated: 2026-01-13. Review status: criteria provided, single submitter. Criteria: ACMG Guidelines, 2015. Collection method: clinical testing. Allele origin: germline.
Comment: The NOTCH2 c.2114G>A variant is predicted to result in the amino acid substitution p.Arg705His. To our knowledge, this variant has not been reported in the literature in individuals with NOTCH2-related disorders. This variant is reported in 0.0080% of alleles in individuals of African descent in gnomAD. At this time, the clinical significance of this variant is uncertain due to the absence of conclusive functional and genetic evidence.

Labcorp Genetics (formerly Invitae), Labcorp
Classification: Uncertain significance for Hajdu-Cheney syndrome. Last evaluated: 2024-12-16. Review status: criteria provided, single submitter. Criteria: Invitae Variant Classification Sherloc (09022015). Collection method: clinical testing. Allele origin: germline.
Comment: This sequence change replaces arginine, which is basic and polar, with histidine, which is basic and polar, at codon 705 of the NOTCH2 protein (p.Arg705His). This variant is present in population databases (rs781902176, gnomAD 0.008%). This variant has not been reported in the literature in individuals affected with NOTCH2-related conditions. ClinVar contains an entry for this variant (Variation ID: 2147280). An algorithm developed to predict the effect of missense changes on protein structure and function (PolyPhen-2) suggests that this variant is likely to be disruptive. In summary, the available evidence is currently insufficient to determine the role of this variant in disease. Therefore, it has been classified as a Variant of Uncertain Significance.